The following is an entry in ClinVar:

ClinVar aggregate classification (germline): Conflicting classifications of pathogenicity. Review status: criteria provided, conflicting classifications (1 of 4 stars). 7 submissions from 7 submitters: Uncertain significance (5); Likely benign (1). 1 of the submissions does not count toward it. Last evaluated 2025-06-22.

Conditions:
MYH11-related disorder. Also called: MYH11-related condition.
Familial thoracic aortic aneurysm and aortic dissection (TAAD). Also called: Thoracic aortic aneurysms and dissections. Identifiers: Orphanet 91387, MedGen C4707243, MONDO:0019625.
Aortic aneurysm, familial thoracic 4 (AAT4). Also called: AORTIC ANEURYSM/AORTIC DISSECTION AND PATENT DUCTUS ARTERIOSUS. Identifiers: MedGen C1851504, MONDO:0007568, OMIM 132900.

Allele frequency attached by ClinVar (database versions not stated): ExAC 0.00001; gnomAD 0.00001; gnomAD exomes 0.00002.
gnomAD v4.1: 25 of 1,613,896 alleles (0.0015%); highest among the groups gnomAD compares: Non-Finnish European, 0.00085%; no homozygotes.

Submissions (7):

Ambry Genetics
Classification: Uncertain significance for Familial thoracic aortic aneurysm and aortic dissection. Last evaluated: 2025-06-22. Review status: criteria provided, single submitter. Criteria: Ambry Variant Classification Scheme 2023. Collection method: clinical testing. Allele origin: germline.
Comment: The p.I768V variant (also known as c.2302A>G), located in coding exon 18 of the MYH11 gene, results from an A to G substitution at nucleotide position 2302. The isoleucine at codon 768 is replaced by valine, an amino acid with highly similar properties. This amino acid position is conserved. In addition, the in silico prediction for this alteration is inconclusive. Based on the available evidence, the clinical significance of this variant remains unclear.

Labcorp Genetics (formerly Invitae), Labcorp
Classification: Uncertain significance for Aortic aneurysm, familial thoracic 4. Last evaluated: 2024-03-16. Review status: criteria provided, single submitter. Criteria: Invitae Variant Classification Sherloc (09022015). Collection method: clinical testing. Allele origin: germline.
Comment: This sequence change replaces isoleucine, which is neutral and non-polar, with valine, which is neutral and non-polar, at codon 775 of the MYH11 protein (p.Ile775Val). This variant is present in population databases (rs779331046, gnomAD 0.03%). This variant has not been reported in the literature in individuals affected with MYH11-related conditions. ClinVar contains an entry for this variant (Variation ID: 578889). Advanced modeling of protein sequence and biophysical properties (such as structural, functional, and spatial information, amino acid conservation, physicochemical variation, residue mobility, and thermodynamic stability) performed at Invitae indicates that this missense variant is not expected to disrupt MYH11 protein function with a negative predictive value of 95%. In summary, the available evidence is currently insufficient to determine the role of this variant in disease. Therefore, it has been classified as a Variant of Uncertain Significance.

Color Diagnostics, LLC DBA Color Health
Classification: Uncertain significance for Familial thoracic aortic aneurysm and aortic dissection. Last evaluated: 2024-03-06. Review status: criteria provided, single submitter. Criteria: ACMG Guidelines, 2015. Collection method: clinical testing. Allele origin: germline.
Comment: This missense variant replaces isoleucine with valine at codon 775 of the MYH11 protein. Computational prediction suggests that this variant may not impact protein structure and function (internally defined REVEL score threshold <= 0.5, PMID: 27666373). To our knowledge, functional studies have not been reported for this variant. This variant has not been reported in individuals affected with MYH11-related disorders in the literature. This variant has been identified in 6/251494 chromosomes in the general population by the Genome Aggregation Database (gnomAD). The available evidence is insufficient to determine the role of this variant in disease conclusively. Therefore, this variant is classified as a Variant of Uncertain Significance.

All of Us Research Program, National Institutes of Health
Classification: Uncertain significance for Familial thoracic aortic aneurysm and aortic dissection. Last evaluated: 2023-12-13. Review status: criteria provided, single submitter. Criteria: ACMG Guidelines, 2015. Collection method: clinical testing. Allele origin: germline. Inheritance: Autosomal dominant inheritance. Observed: 4 variant alleles, 4 heterozygotes.
Comment: This missense variant replaces isoleucine with valine at codon 775 of the MYH11 protein. Computational prediction suggests that this variant may not impact protein structure and function (internally defined REVEL score threshold <= 0.5, PMID: 27666373). Splice site prediction tools suggest that this variant may not impact RNA splicing. To our knowledge, functional studies have not been performed for this variant. This variant has not been reported in individuals affected with cardiovascular disorders in the literature. This variant has been identified in 6/251494 chromosomes in the general population by the Genome Aggregation Database (gnomAD). The available evidence is insufficient to determine the role of this variant in disease conclusively. Therefore, this variant is classified as a Variant of Uncertain Significance.

This study involves interpretation of variants in research participants for the purpose of population health screening. Participant phenotype was not available at the time of variant classification. Additional details can be found in publication PMID: 35346344, PMCID: PMC8962531

Blueprint Genetics
Classification: Likely benign. Last evaluated: 2023-03-06. Review status: criteria provided, single submitter. Criteria: ACMG Guidelines, 2015. Collection method: clinical testing. Allele origin: germline.

CHEO Genetics Diagnostic Laboratory, Children's Hospital of Eastern Ontario
Classification: Uncertain significance for Familial thoracic aortic aneurysm and aortic dissection. Last evaluated: 2023-01-10. Review status: criteria provided, single submitter. Criteria: ACMG Guidelines, 2015. Collection method: clinical testing. Allele origin: germline.

PreventionGenetics, part of Exact Sciences
Classification: Uncertain significance for MYH11-related condition. Last evaluated: 2024-08-23. Review status: no assertion criteria provided. Collection method: clinical testing. Allele origin: germline. Not counted in ClinVar's aggregate classification.
Comment: The MYH11 c.2323A>G variant is predicted to result in the amino acid substitution p.Ile775Val. To our knowledge, this variant has not been reported in the literature. This variant is reported in 0.028% of alleles in individuals of European (Finnish) descent in gnomAD. At this time, the clinical significance of this variant is uncertain due to the absence of conclusive functional and genetic evidence.

NM_002474.3(MYH11):c.2302A>G (p.Ile768Val)

Gene: MYH11 (myosin heavy chain 11; minus strand). Cytogenetic location: 16p13.11.
Variant type: single nucleotide variant.
Coding change: c.2302A>G on transcript NM_002474.3 (MANE Select); coding-DNA position 2302, A replaced by G.
Protein change: p.Ile768Val; replaces isoleucine 768 with valine.
Molecular consequence: missense variant.
Genome position (GRCh38, 1-based): chr16:15,747,679, T>C on the plus strand (A>G on the coding strand, the complement: MYH11 is on the minus strand). VCF-style: chr16-15747679-T-C. GRCh37 (hg19) VCF-style: chr16-15841536-T-C.
Other names: c.2323A>G, p.Ile775Val (NM_001040113.2, NM_001040114.2); c.2302A>G, p.Ile768Val (NM_022844.3); c.2302A>G (NM_002474.2); short protein forms I775V, I768V.
Identifiers: ClinVar variation 578889 (VCV000578889.18), dbSNP rs779331046, ClinGen allele CA7922318.